The following is an entry in ClinVar:

ClinVar aggregate classification (germline): Benign/Likely benign. Review status: criteria provided, multiple submitters, no conflicts (2 of 4 stars). 8 submissions from 7 submitters: Benign (4); Likely benign (4). Last evaluated 2025-07-08.

Conditions:
Congenital generalized lipodystrophy type 2 (CGL2). Also called: SEIP SYNDROME; BERARDINELLI SYNDROME; BRUNZELL SYNDROME, BSCL2-RELATED; Berardinelli-Seip Congenital Lipodystrophy Type 2. Identifiers: Orphanet 528, Orphanet 696289, MedGen C1720863, MONDO:0010020, OMIM 269700.
Hereditary spastic paraplegia 17. Also called: Spastic Paraplegia 17; Autosomal dominant spastic paraplegia type 17; Silver Syndrome; SPASTIC PARAPLEGIA WITH AMYOTROPHY OF HANDS AND FEET; Silver spastic paraplegia syndrome. Identifiers: Orphanet 100998, MedGen C2931276, MONDO:0010043, OMIM 270685.
Severe neurodegenerative syndrome with lipodystrophy. Also called: ENCEPHALOPATHY, PROGRESSIVE, WITH LIPODYSTROPHY; Encephalopathy, progressive, with or without lipodystrophy. Identifiers: Orphanet 363400, MedGen C4014700, MONDO:0014402, OMIM 615924.
Neuronopathy, distal hereditary motor, type 5C. Also called: NEURONOPATHY, DISTAL HEREDITARY MOTOR, HARDING TYPE VC; NEUROPATHY, DISTAL HEREDITARY MOTOR, HARDING TYPE VC; SPINAL MUSCULAR ATROPHY, DISTAL, HARDING TYPE VC; DHMN VC; NEURONOPATHY, DISTAL HEREDITARY MOTOR, AUTOSOMAL DOMINANT 13. Identifiers: MedGen C5436838, MONDO:0030860, OMIM 619112.
Charcot-Marie-Tooth disease type 2. Also called: Charcot-Marie-Tooth type 2. Identifiers: Orphanet 64746, MedGen C0270914, MONDO:0018993.
BSCL2-related disorder. Also called: BSCL2-Related Disorders; BSCL2-related condition.
Neuronopathy, distal hereditary motor, type 5A (HMND5). Also called: DHMN VA; Distal Spinal Muscular Atrophy V (dSMA-V); NEURONOPATHY, DISTAL HEREDITARY MOTOR, AUTOSOMAL DOMINANT 5; Distal Spinal Muscular Atrophy V. Identifiers: Orphanet 139536, MedGen CN031873, MONDO:0015353, OMIM 600794.

Allele frequency attached by ClinVar (database versions not stated): TOPMed 0.00012; gnomAD 0.00014 and 0.00034; gnomAD exomes 0.00055 and 0.00073; ExAC 0.00112; 1000 Genomes Project 30x 0.00172; 1000 Genomes Project 0.00220.

Submissions (8):

PreventionGenetics, part of Exact Sciences
Classification: Likely benign for BSCL2-related condition. Last evaluated: 2025-07-08. Review status: criteria provided, single submitter. Criteria: ACMG Guidelines, 2015. Collection method: clinical testing. Allele origin: germline.
Comment: This variant is classified as likely benign based on ACMG/AMP sequence variant interpretation guidelines (Richards et al. 2015 PMID: 25741868, with internal and published modifications).

CeGaT Center for Human Genetics Tuebingen
Classification: Likely benign. Last evaluated: 2022-10-01. Review status: criteria provided, single submitter. Criteria: CeGaT Center For Human Genetics Tuebingen Variant Classification Criteria Version 2. Collection method: clinical testing. Allele origin: germline. Affected: yes. Observed: 1 variant allele.
Comment: BSCL2: BS2

Fulgent Genetics
Classification: Likely benign for Congenital generalized lipodystrophy type 2; Hereditary spastic paraplegia 17; Severe neurodegenerative syndrome with lipodystrophy; Neuronopathy, distal hereditary motor, type 5C. Last evaluated: 2021-08-16. Review status: criteria provided, single submitter. Criteria: ACMG Guidelines, 2015. Collection method: clinical testing. Allele origin: unknown.

Labcorp Genetics (formerly Invitae), Labcorp
Classification: Benign for Charcot-Marie-Tooth disease type 2. Last evaluated: 2020-10-29. Review status: criteria provided, single submitter. Criteria: Invitae Variant Classification Sherloc (09022015). Collection method: clinical testing. Allele origin: germline.

GeneDx
Classification: Likely benign. Last evaluated: 2019-05-01. Review status: criteria provided, single submitter. Criteria: GeneDx Variant Classification Process June 2021. Collection method: clinical testing. Allele origin: germline. Affected: yes.
Comment: This variant is associated with the following publications: (PMID: 27144933)

Illumina Laboratory Services, Illumina
Classification: Benign for Neuronopathy, distal hereditary motor, type 5A. Last evaluated: 2018-01-12. Review status: criteria provided, single submitter. Criteria: ICSL Variant Classification Criteria 13 December 2019. Collection method: clinical testing. Allele origin: germline.
Comment: This variant was observed in the ICSL laboratory as part of a predisposition screen in an ostensibly healthy population. It had not been previously curated by ICSL or reported in the Human Gene Mutation Database (HGMD: prior to June 1st, 2018), and was therefore a candidate for classification through an automated scoring system. Utilizing variant allele frequency, disease prevalence and penetrance estimates, and inheritance mode, an automated score was calculated to assess if this variant is too frequent to cause the disease. Based on the score and internal cut-off values, a variant classified as benign is not then subjected to further curation. The score for this variant resulted in a classification of benign for this disease.

Illumina Laboratory Services, Illumina
Classification: Benign for Congenital generalized lipodystrophy type 2. Last evaluated: 2018-01-12. Review status: criteria provided, single submitter. Criteria: ICSL Variant Classification Criteria 13 December 2019. Collection method: clinical testing. Allele origin: germline.
Comment: the same text as in the submission from Illumina Laboratory Services, Illumina above.

Athena Diagnostics
Classification: Benign. Last evaluated: 2017-11-03. Review status: criteria provided, single submitter. Criteria: Athena Diagnostics Criteria. Collection method: clinical testing. Allele origin: germline.

Literature cited by the submitters: PubMed 27144933 (cited by Athena Diagnostics).

NM_001122955.4(BSCL2):c.133G>A (p.Gly45Ser)

Genes: BSCL2 (BSCL2 lipid droplet biogenesis associated, seipin; minus strand), HNRNPUL2-BSCL2 (HNRNPUL2-BSCL2 readthrough (NMD candidate); minus strand). Cytogenetic location: 11q12.3.
Variant type: single nucleotide variant.
Coding change: c.133G>A on transcript NM_001122955.4 (MANE Select); coding-DNA position 133, G replaced by A.
Protein change: p.Gly45Ser; replaces glycine 45 with serine.
Molecular consequence: missense variant. On other transcripts: non-coding transcript variant (1), 5 prime UTR variant (2).
Genome position (GRCh38, 1-based): chr11:62,705,572, C>T on the plus strand (G>A on the coding strand, the complement: BSCL2 is on the minus strand). VCF-style: chr11-62705572-C-T. GRCh37 (hg19) VCF-style: chr11-62473044-C-T.
Other names: c.-60G>A (NM_001130702.2, NM_032667.6); c.133G>A, p.Gly45Ser (NM_001386027.1, NM_001386028.1); short protein forms G45S.
Identifiers: ClinVar variation 305183 (VCV000305183.44), dbSNP rs3763853, ClinGen allele CA6053652.
Genomic context (GRCh38, chr11:62,705,572, plus strand): 5'-TGGCCGGGAGAGCAGGGTGTCTGGCCCCAGGTTCAGGCCTTGCGTTCCTAGCTGCTCTGC[C>T]ACCTGGACGCCACCCCTGGCCATGGGATGCAGCAGCTGGTGGTTCCTGGAAAGAGAGGGT-3'
Protein context (NP_001116427.1, residues 35-55): ASHGQGWRPG[Gly45Ser]RAARNARPEP